The following is an entry in ClinVar:

ClinVar aggregate classification (germline): Uncertain significance. Review status: criteria provided, multiple submitters, no conflicts (2 of 4 stars). 5 submissions from 5 submitters: Uncertain significance (4). 1 of the submissions does not count toward it. Last evaluated 2025-08-13.

Conditions:
Renal tubular acidosis with progressive nerve deafness. Also called: Distal Renal Tubular Acidosis with Progressive Sensorineural Deafness; RENAL TUBULAR ACIDOSIS, AUTOSOMAL RECESSIVE, WITH PROGRESSIVE NERVE DEAFNESS; RTA WITH PROGRESSIVE NERVE DEAFNESS; renal tubular acidosis, distal, 2, with progressive sensorineural hearing loss. Identifiers: MedGen C0403554, MONDO:0009968, OMIM 267300.
ATP6V1B1-related disorder. Also called: ATP6V1B1-related condition.

Allele frequency attached by ClinVar (database versions not stated): TOPMed 0.00003; gnomAD 0.00004 and 0.00005; ExAC 0.00005; gnomAD exomes 0.00005; ESP Exome Variant Server 0.00015.
gnomAD v4.1: 70 of 1,614,038 alleles (0.0043%); highest among the groups gnomAD compares: Non-Finnish European, 0.0057%; no homozygotes.

Submissions (6):

PreventionGenetics, part of Exact Sciences
Classification: Uncertain significance for ATP6V1B1-related condition. Last evaluated: 2025-08-13. Review status: criteria provided, single submitter. Criteria: ACMG Guidelines, 2015. Collection method: clinical testing. Allele origin: germline.
Comment: The ATP6V1B1 c.1161C>G variant is predicted to result in the amino acid substitution p.Asn387Lys. To our knowledge, this variant has not been reported in the literature. This variant is reported in 0.011% of alleles in individuals of European (Non-Finnish) descent in gnomAD. At this time, the clinical significance of this variant is uncertain due to the absence of conclusive functional and genetic evidence.

Blueprint Genetics
Classification: Uncertain significance. Last evaluated: 2024-04-26. Review status: criteria provided, single submitter. Criteria: ACMG Guidelines, 2015. Collection method: clinical testing. Allele origin: germline.

Fulgent Genetics
Classification: Uncertain significance for Renal tubular acidosis with progressive nerve deafness. Last evaluated: 2021-10-31. Review status: criteria provided, single submitter. Criteria: ACMG Guidelines, 2015. Collection method: clinical testing. Allele origin: unknown.

Labcorp Genetics (formerly Invitae), Labcorp
Classification: Uncertain significance. Last evaluated: 2021-08-26. Review status: criteria provided, single submitter. Criteria: Invitae Variant Classification Sherloc (09022015). Collection method: clinical testing. Allele origin: germline.
Comment: This sequence change replaces asparagine with lysine at codon 387 of the ATP6V1B1 protein (p.Asn387Lys). The asparagine residue is highly conserved and there is a moderate physicochemical difference between asparagine and lysine. This variant is present in population databases (rs377624239, ExAC 0.009%). This variant has not been reported in the literature in individuals affected with ATP6V1B1-related conditions. Algorithms developed to predict the effect of missense changes on protein structure and function are either unavailable or do not agree on the potential impact of this missense change (SIFT: "Deleterious"; PolyPhen-2: "Probably Damaging"; Align-GVGD: "Class C0"). Algorithms developed to predict the effect of sequence changes on RNA splicing suggest that this variant may create or strengthen a splice site. In summary, the available evidence is currently insufficient to determine the role of this variant in disease. Therefore, it has been classified as a Variant of Uncertain Significance.

Natera, Inc.
Classification: Uncertain significance for Renal tubular acidosis with progressive nerve deafness. Last evaluated: 2020-03-11. Review status: no assertion criteria provided. Collection method: clinical testing. Allele origin: germline. Not counted in ClinVar's aggregate classification.

Dr. Peter K. Rogan Lab, Western University
No classification provided (evidence only). Condition: Lung cancer. Review status: no classification provided. Collection method: in vitro. Allele origin: not applicable. Functional consequence: retained intron. Not counted in ClinVar's aggregate classification.

NM_001692.4(ATP6V1B1):c.1161C>G (p.Asn387Lys)

Gene: ATP6V1B1 (ATPase H+ transporting V1 subunit B1; plus strand). Cytogenetic location: 2p13.3.
Variant type: single nucleotide variant.
Coding change: c.1161C>G on transcript NM_001692.4 (MANE Select); coding-DNA position 1161, C replaced by G.
Protein change: p.Asn387Lys; replaces asparagine 387 with lysine.
Molecular consequence: missense variant.
Genome position (GRCh38, 1-based): chr2:70,964,455, C>G. VCF-style: chr2-70964455-C-G. GRCh37 (hg19) VCF-style: chr2-71191585-C-G.
Other names: short protein forms N387K.
Identifiers: ClinVar variation 966948 (VCV000966948.8), dbSNP rs377624239, ClinGen allele CA1701285.